The following is an entry in ClinVar:

NM_017514.5(PLXNA3):c.226C>T (p.Arg76Cys)

Gene: PLXNA3 (plexin A3; plus strand). Cytogenetic location: Xq28.
Variant type: single nucleotide variant.
Coding change: c.226C>T on transcript NM_017514.5 (MANE Select); coding-DNA position 226, C replaced by T.
Protein change: p.Arg76Cys; replaces arginine 76 with cysteine.
Molecular consequence: missense variant.
Genome position (GRCh38, 1-based): chrX:154,460,409, C>T. VCF-style: chrX-154460409-C-T. GRCh37 (hg19) VCF-style: chrX-153688749-C-T.
Other names: short protein forms R76C.
Identifiers: ClinVar variation 2383673 (VCV002383673.4), dbSNP rs199861985, ClinGen allele CA10563631.

ClinVar aggregate classification (germline): Uncertain significance. Review status: criteria provided, single submitter (1 of 4 stars). 2 submissions from 2 submitters: Uncertain significance (1). 1 of the submissions does not count toward it. Last evaluated 2021-08-16.

Conditions:
PLXNA3-related disorder. Also called: PLXNA3-related condition.

Allele frequency attached by ClinVar (database versions not stated): ESP Exome Variant Server 0.00009; gnomAD 0.00015; ExAC 0.00017; TOPMed 0.00017.
gnomAD v4.1: 295 of 1,201,111 alleles (0.025%); highest among the groups gnomAD compares: Non-Finnish European, 0.029%; no homozygotes.

Submissions (2):

Ambry Genetics
Classification: Uncertain significance. Last evaluated: 2021-08-16. Review status: criteria provided, single submitter. Criteria: Ambry Variant Classification Scheme 2023. Collection method: clinical testing. Allele origin: germline.

PreventionGenetics, part of Exact Sciences
Classification: Likely benign for PLXNA3-related condition. Last evaluated: 2022-12-01. Review status: no assertion criteria provided. Collection method: clinical testing. Allele origin: germline. Not counted in ClinVar's aggregate classification.
Comment: This variant is classified as likely benign based on ACMG/AMP sequence variant interpretation guidelines (Richards et al. 2015 PMID: 25741868, with internal and published modifications).